The following is an entry in ClinVar:

NM_006015.6(ARID1A):c.5215C>T (p.Pro1739Ser)

Gene: ARID1A (AT-rich interaction domain 1A; plus strand). Cytogenetic location: 1p36.11.
Variant type: single nucleotide variant.
Coding change: c.5215C>T on transcript NM_006015.6 (MANE Select); coding-DNA position 5215, C replaced by T.
Protein change: p.Pro1739Ser; replaces proline 1739 with serine.
Molecular consequence: missense variant.
Genome position (GRCh38, 1-based): chr1:26,779,113, C>T. VCF-style: chr1-26779113-C-T. GRCh37 (hg19) VCF-style: chr1-27105604-C-T.
Other names: c.4564C>T, p.Pro1522Ser (NM_139135.4); short protein forms P1522S, P1739S.
Identifiers: ClinVar variation 4848779 (VCV004848779.1).

ClinVar aggregate classification (germline): Uncertain significance (1 of 4 stars; one submission).

Submission:

Women's Health and Genetics/Laboratory Corporation of America, LabCorp
Classification: Uncertain significance. Last evaluated: 2026-04-07. Review status: criteria provided, single submitter. Criteria: LabCorp Variant Classification Summary - May 2015. Collection method: clinical testing. Allele origin: germline.
Comment: Variant summary: ARID1A c.5215C>T (p.Pro1739Ser) results in a non-conservative amino acid change in the encoded protein sequence. Algorithms developed to predict the effect of missense changes on protein structure and function are either unavailable or do not agree on the potential impact of this missense change. The variant allele was found at a frequency of 4.7e-06 in 212350 control chromosomes. The available data on variant occurrences in the general population are insufficient to allow any conclusion about variant significance. To our knowledge, no occurrence of c.5215C>T in individuals affected with ARID1A-related conditions and no experimental evidence demonstrating its impact on protein function have been reported. No submitters have cited clinical-significance assessments for this variant to ClinVar. Based on the evidence outlined above, the variant was classified as uncertain significance.